The following is an entry in ClinVar:

NM_012108.4(STAP1):c.295G>A (p.Val99Ile)

Genes: STAP1 (signal transducing adaptor family member 1; plus strand), LOC123477751 (Sharpr-MPRA regulatory region 12077; plus strand). Cytogenetic location: 4q13.2.
Variant type: single nucleotide variant.
Coding change: c.295G>A on transcript NM_012108.4 (MANE Select); coding-DNA position 295, G replaced by A.
Protein change: p.Val99Ile; replaces valine 99 with isoleucine.
Molecular consequence: missense variant.
Genome position (GRCh38, 1-based): chr4:67,575,487, G>A. VCF-style: chr4-67575487-G-A. GRCh37 (hg19) VCF-style: chr4-68441205-G-A.
Other names: c.295G>A, p.Val99Ile (NM_001317769.2); short protein forms V99I.
Identifiers: ClinVar variation 4865183 (VCV004865183.1).
Genomic context (GRCh38, chr4:67,575,487, plus strand): 5'-GAGCAGAATTCAACTGAAAAGAACTGTGCGAAATTCACCCTTGTTTTGCCGAAAGAGGAA[G>A]TACAACTGAAGGTGAGCGAGGAGAAACAGTAGTCTGTAAAGGGTTGTGGTTATAAATAAC-3'
Protein context (NP_036240.1, residues 89-109): KFTLVLPKEE[Val99Ile]QLKTENTESG

ClinVar aggregate classification (germline): Uncertain significance (1 of 4 stars; one submission).

gnomAD v4.1: 3 of 1,609,026 alleles (0.00019%); highest among the groups gnomAD compares: Non-Finnish European, 0.00017%; no homozygotes.

Submission:

Ambry Genetics
Classification: Uncertain significance. Last evaluated: 2026-04-12. Review status: criteria provided, single submitter. Criteria: Ambry Variant Classification Scheme 2023. Collection method: clinical testing. Allele origin: germline.
Comment: The p.V99I variant (also known as c.295G>A), located in coding exon 3 of the STAP1 gene, results from a G to A substitution at nucleotide position 295. The valine at codon 99 is replaced by isoleucine, an amino acid with highly similar properties. This amino acid position is conserved. In addition, this alteration is predicted to be tolerated by in silico analysis. Based on the available evidence, the clinical significance of this variant remains unclear.